The following is an entry in ClinVar:

ClinVar aggregate classification (germline): Uncertain significance (1 of 4 stars; one submission).

Conditions:
SLC34A1-related disorder. Also called: SLC34A1-related disorders; SLC34A1-related condition.

gnomAD v4.1: 25 of 1,613,334 alleles (0.0015%); highest among the groups gnomAD compares: Admixed American, 0.013%; no homozygotes.

Submission:

PreventionGenetics, part of Exact Sciences
Classification: Uncertain significance for SLC34A1-related condition. Last evaluated: 2025-10-20. Review status: criteria provided, single submitter. Criteria: ACMG Guidelines, 2015. Collection method: clinical testing. Allele origin: germline.
Comment: The SLC34A1 c.1408G>A variant is predicted to result in the amino acid substitution p.Ala470Thr. To our knowledge, this variant has not been reported in the literature. This variant is reported in 0.015% of alleles in individuals of Latino descent in gnomAD. At this time, the clinical significance of this variant is uncertain due to the absence of conclusive functional and genetic evidence.

NM_003052.5(SLC34A1):c.1408G>A (p.Ala470Thr)

Gene: SLC34A1 (solute carrier family 34 member 1; plus strand). Cytogenetic location: 5q35.3.
Variant type: single nucleotide variant.
Coding change: c.1408G>A on transcript NM_003052.5 (MANE Select); coding-DNA position 1408, G replaced by A.
Protein change: p.Ala470Thr; replaces alanine 470 with threonine.
Molecular consequence: missense variant.
Genome position (GRCh38, 1-based): chr5:177,397,066, G>A. VCF-style: chr5-177397066-G-A. GRCh37 (hg19) VCF-style: chr5-176824067-G-A.
Other names: short protein forms A470T.
Identifiers: ClinVar variation 4990664 (VCV004990664.1).